The following is an entry in ClinVar:

ClinVar aggregate classification (germline): Uncertain significance (1 of 4 stars; one submission).

Conditions:
LAMA2-related muscular dystrophy (LAMA2-RD). Also called: Laminin alpha 2-related dystrophy. Identifiers: MedGen C5679788, MONDO:0100228.

Allele frequency attached by ClinVar (database versions not stated): gnomAD exomes below 0.00001; TOPMed below 0.00001; gnomAD 0.00001.

Submission:

Labcorp Genetics (formerly Invitae), Labcorp
Classification: Uncertain significance for LAMA2-related muscular dystrophy. Last evaluated: 2022-06-20. Review status: criteria provided, single submitter. Criteria: Invitae Variant Classification Sherloc (09022015). Collection method: clinical testing. Allele origin: germline.
Comment: This sequence change replaces methionine, which is neutral and non-polar, with valine, which is neutral and non-polar, at codon 1724 of the LAMA2 protein (p.Met1724Val). This variant is not present in population databases (gnomAD no frequency). This variant has not been reported in the literature in individuals affected with LAMA2-related conditions. ClinVar contains an entry for this variant (Variation ID: 998914). Advanced modeling of protein sequence and biophysical properties (such as structural, functional, and spatial information, amino acid conservation, physicochemical variation, residue mobility, and thermodynamic stability) performed at Invitae indicates that this missense variant is not expected to disrupt LAMA2 protein function. Algorithms developed to predict the effect of sequence changes on RNA splicing suggest that this variant may create or strengthen a splice site. In summary, the available evidence is currently insufficient to determine the role of this variant in disease. Therefore, it has been classified as a Variant of Uncertain Significance.

NM_000426.4(LAMA2):c.5170A>G (p.Met1724Val)

Gene: LAMA2 (laminin subunit alpha 2; plus strand). Cytogenetic location: 6q22.33.
Variant type: single nucleotide variant.
Coding change: c.5170A>G on transcript NM_000426.4 (MANE Select); coding-DNA position 5170, A replaced by G.
Protein change: p.Met1724Val; replaces methionine 1724 with valine.
Molecular consequence: missense variant.
Genome position (GRCh38, 1-based): chr6:129,391,589, A>G. VCF-style: chr6-129391589-A-G. GRCh37 (hg19) VCF-style: chr6-129712734-A-G.
Other names: c.5170A>G, p.Met1724Val (NM_001079823.2); short protein forms M1724V.
Identifiers: ClinVar variation 998914 (VCV000998914.6), dbSNP rs1779325027, ClinGen allele CA365614159.